The following is an entry in ClinVar:

NM_000038.6(APC):c.5783A>G (p.Gln1928Arg)

Gene: APC (APC regulator of Wnt signaling pathway; plus strand). Cytogenetic location: 5q22.2.
Variant type: single nucleotide variant.
Coding change: c.5783A>G on transcript NM_000038.6 (MANE Select); coding-DNA position 5783, A replaced by G.
Protein change: p.Gln1928Arg; replaces glutamine 1928 with arginine.
Molecular consequence: missense variant.
Genome position (GRCh38, 1-based): chr5:112,841,377, A>G. VCF-style: chr5-112841377-A-G. GRCh37 (hg19) VCF-style: chr5-112177074-A-G.
Other names: c.5783A>G, p.Gln1928Arg (NM_001127510.3, NM_001354895.2, NM_001407450.1); c.5729A>G, p.Gln1910Arg (NM_001127511.3); c.5837A>G, p.Gln1946Arg (NM_001354896.2, NM_001407447.1, NM_001407448.1 and 1 more transcripts); c.5813A>G, p.Gln1938Arg (NM_001354897.2); c.5708A>G, p.Gln1903Arg (NM_001354898.2); c.5699A>G, p.Gln1900Arg (NM_001354899.2); c.5660A>G, p.Gln1887Arg (NM_001354900.2); c.5606A>G, p.Gln1869Arg (NM_001354901.2, NM_001407453.1); and 11 more; short protein forms Q1900R, Q1928R, Q1938R, Q1645R, Q1903R, Q1910R, Q1956R, Q1768R.
Identifiers: ClinVar variation 1749616 (VCV001749616.2), dbSNP rs2149949104, ClinGen allele CA16033983.
Genomic context (GRCh38, chr5:112,841,377, plus strand): 5'-ATAAGACACAAGCTATTGCAAAGCAGCCAATAAATCGAGGTCAGCCTAAACCCATACTTC[A>G]GAAACAATCCACTTTTCCCCAGTCATCCAAAGACATACCAGACAGAGGGGCAGCAACTGA-3'
Protein context (NP_000029.2, residues 1918-1938): INRGQPKPIL[Gln1928Arg]KQSTFPQSSK

ClinVar aggregate classification (germline): Uncertain significance (1 of 4 stars; one submission).

Conditions:
Hereditary cancer-predisposing syndrome. Also called: Hereditary Cancer Syndrome; Hereditary neoplastic syndrome; Neoplastic Syndromes, Hereditary; Tumor predisposition. Identifiers: Orphanet 140162, MedGen C0027672, MeSH D009386, MONDO:0015356.

Allele frequency attached by ClinVar (database versions not stated): gnomAD exomes below 0.00001.
gnomAD v4.1: 1 of 1,613,738 alleles (0.000062%); highest among the groups gnomAD compares: Non-Finnish European, 0.000085%; no homozygotes.

Submission:

Ambry Genetics
Classification: Uncertain significance for Hereditary cancer-predisposing syndrome. Last evaluated: 2024-02-13. Review status: criteria provided, single submitter. Criteria: Ambry Variant Classification Scheme 2023. Collection method: clinical testing. Allele origin: germline.
Comment: The p.Q1928R variant (also known as c.5783A>G), located in coding exon 15 of the APC gene, results from an A to G substitution at nucleotide position 5783. The glutamine at codon 1928 is replaced by arginine, an amino acid with highly similar properties. This amino acid position is not well conserved in available vertebrate species. In addition, in silico predictors for this gene do not accurately predict pathogenicity. Based on the available evidence, the clinical significance of this alteration remains unclear.